The following is an entry in ClinVar:

NM_000494.4(COL17A1):c.2789-156_2789-151del

Gene: COL17A1 (collagen type XVII alpha 1 chain; minus strand). Cytogenetic location: 10q25.1.
Variant type: Microsatellite.
Coding change: c.2789-156_2789-151del on transcript NM_000494.4 (MANE Select); 156 bases into the intron before coding-DNA position 2789 through 151 bases into the intron before coding-DNA position 2789, 6 bases deleted (CGTGTG; older notation c.2789-156_2789-151delCGTGTG).
Molecular consequence: intron variant.
Genome position (GRCh38, 1-based): chr10:104,039,791-104,039,796, CACACG deleted on the plus strand (CGTGTG on the coding strand, the reverse complement: COL17A1 is on the minus strand); deleting any 6 consecutive bases within chr10:104,039,791-104,039,807 gives the same sequence; the c. name uses the placement nearest the transcript's 3' end. VCF-style (leftmost placement, unchanged base first): chr10-104039790-ACACACG-A. GRCh37 (hg19) VCF-style: chr10-105799548-ACACACG-A.
Identifiers: ClinVar variation 4813950 (VCV004813950.1).

ClinVar aggregate classification (germline): Likely benign (1 of 4 stars; one submission).

Submission:

GeneDx
Classification: Likely benign. Last evaluated: 2021-05-11. Review status: criteria provided, single submitter. Criteria: GeneDx Variant Classification Process June 2021. Collection method: clinical testing. Allele origin: germline. Affected: yes.
Comment: See Variant Classification Assertion Criteria.